The following is an entry in ClinVar:

NM_022167.4(XYLT2):c.1253C>T (p.Pro418Leu)

Gene: XYLT2 (xylosyltransferase 2; plus strand). Cytogenetic location: 17q21.33.
Variant type: single nucleotide variant.
Coding change: c.1253C>T on transcript NM_022167.4 (MANE Select); coding-DNA position 1253, C replaced by T.
Protein change: p.Pro418Leu; replaces proline 418 with leucine.
Molecular consequence: missense variant.
Genome position (GRCh38, 1-based): chr17:50,355,945, C>T. VCF-style: chr17-50355945-C-T. GRCh37 (hg19) VCF-style: chr17-48433306-C-T.
Other names: p.Pro418Leu; short protein forms P418L.
Identifiers: ClinVar variation 1619313 (VCV001619313.15), dbSNP rs72832454, ClinGen allele CA8646405.
Genomic context (GRCh38, chr17:50,355,945, plus strand): 5'-GTTCTGACTGGTTCGTGCTGACACGCAGCTTTGTGGAGTATGTGGTGTACACAGATGACC[C>T]GCTTGTGGCCCAGCTGCGCCAGTTCTACACATACACACTGCTCCCAGCCGAGGTGGGTAG-3'
Protein context (NP_071450.2, residues 408-428): FVEYVVYTDD[Pro418Leu]LVAQLRQFYT

ClinVar aggregate classification (germline): Benign/Likely benign. Review status: criteria provided, multiple submitters, no conflicts (2 of 4 stars). 5 submissions from 5 submitters: Benign (4); Likely benign (1). Last evaluated 2026-02-01.

Conditions:
Osteogenesis imperfecta (OI). Identifiers: Orphanet 666, MedGen C0029434, MeSH D010013, MONDO:0019019.

Allele frequency attached by ClinVar (database versions not stated): ExAC 0.01806; gnomAD 0.02135 and 0.02184; 1000 Genomes Project 0.02436; ESP Exome Variant Server 0.02522; 1000 Genomes Project 30x 0.02623.
gnomAD v4.1: 23,199 of 1,614,146 alleles (1.4%); highest among the groups gnomAD compares: African/African-American, 4.1%; 311 homozygotes.

Submissions (5):

Labcorp Genetics (formerly Invitae), Labcorp
Classification: Benign. Last evaluated: 2026-02-01. Review status: criteria provided, single submitter. Criteria: Invitae Variant Classification Sherloc (09022015). Collection method: clinical testing. Allele origin: germline.

Mayo Clinic Laboratories, Mayo Clinic
Classification: Benign. Last evaluated: 2023-06-22. Review status: criteria provided, single submitter. Criteria: ACMG Guidelines, 2015. Collection method: clinical testing. Allele origin: germline. Observed: 6 variant alleles.
Comment: BS1, BS2, BP4

Genome Diagnostics Laboratory, The Hospital for Sick Children
Classification: Benign for Osteogenesis imperfecta. Last evaluated: 2022-07-18. Review status: criteria provided, single submitter. Criteria: ACMG Guidelines, 2015. Collection method: clinical testing. Allele origin: germline.

GeneDx
Classification: Likely benign. Last evaluated: 2021-05-05. Review status: criteria provided, single submitter. Criteria: GeneDx Variant Classification Process June 2021. Collection method: clinical testing. Allele origin: germline. Affected: yes.
Comment: See Variant Classification Assertion Criteria.

Breakthrough Genomics
Classification: Benign. Review status: criteria provided, single submitter. Criteria: ACMG Guidelines, 2015. Collection method: not provided. Allele origin: germline. Inheritance: Autosomal recessive inheritance. Affected: yes.

Literature cited by the submitters: PubMed 19014925 (cited by Mayo Clinic Laboratories, Mayo Clinic).